The following is an entry in ClinVar:

NM_000214.3(JAG1):c.522G>A (p.Thr174=)

Gene: JAG1 (jagged canonical Notch ligand 1; minus strand). Cytogenetic location: 20p12.2.
Variant type: single nucleotide variant.
Coding change: c.522G>A on transcript NM_000214.3 (MANE Select); coding-DNA position 522, G replaced by A.
Protein change: p.Thr174=; no amino-acid change (threonine 174 retained).
Molecular consequence: synonymous variant.
Genome position (GRCh38, 1-based): chr20:10,658,640, C>T on the plus strand (G>A on the coding strand, the complement: JAG1 is on the minus strand). VCF-style: chr20-10658640-C-T. GRCh37 (hg19) VCF-style: chr20-10639288-C-T.
Identifiers: ClinVar variation 700309 (VCV000700309.11), dbSNP rs751230029, ClinGen allele CA9765114.

ClinVar aggregate classification (germline): Likely benign. Review status: criteria provided, multiple submitters, no conflicts (2 of 4 stars). 3 submissions from 3 submitters: Likely benign (2). 1 of the submissions does not count toward it. Last evaluated 2025-05-04.

Conditions:
Alagille syndrome due to a JAG1 point mutation. Also called: HEPATIC DUCTULAR HYPOPLASIA, SYNDROMATIC; Alagille Syndrome 1; JAG1-Related Alagille Syndrome. Identifiers: Orphanet 261619, Orphanet 52, MedGen C1956125, MONDO:0016862, OMIM 118450.
JAG1-related disorder. Also called: JAG1-related condition; JAG1-related disorders.

Allele frequency attached by ClinVar (database versions not stated): ExAC 0.00002; gnomAD exomes 0.00002; gnomAD 0.00005 and 0.00004; TOPMed 0.00004.
gnomAD v4.1: 32 of 1,614,110 alleles (0.002%); highest among the groups gnomAD compares: South Asian, 0.0066%; no homozygotes.

Submissions (3):

Labcorp Genetics (formerly Invitae), Labcorp
Classification: Likely benign for Alagille syndrome due to a JAG1 point mutation. Last evaluated: 2025-05-04. Review status: criteria provided, single submitter. Criteria: Invitae Variant Classification Sherloc (09022015). Collection method: clinical testing. Allele origin: germline.

Blueprint Genetics
Classification: Likely benign. Last evaluated: 2023-11-27. Review status: criteria provided, single submitter. Criteria: ACMG Guidelines, 2015. Collection method: clinical testing. Allele origin: germline.

PreventionGenetics, part of Exact Sciences
Classification: Likely benign for JAG1-related condition. Last evaluated: 2021-03-22. Review status: no assertion criteria provided. Collection method: clinical testing. Allele origin: germline. Not counted in ClinVar's aggregate classification.
Comment: This variant is classified as likely benign based on ACMG/AMP sequence variant interpretation guidelines (Richards et al. 2015 PMID: 25741868, with internal and published modifications).